The following is an entry in ClinVar:

ClinVar aggregate classification (germline): Pathogenic (1 of 4 stars; one submission).

Conditions:
Inborn genetic diseases. Identifiers: MedGen C0950123, MeSH D030342.

Submission:

Ambry Genetics
Classification: Pathogenic for Inborn genetic diseases. Last evaluated: 2025-03-03. Review status: criteria provided, single submitter. Criteria: Ambry Variant Classification Scheme 2023. Collection method: clinical testing. Allele origin: germline.
Comment: The c.3961_3976del16 (p.T1321Rfs*60) alteration, located in exon 21 (coding exon 21) of the SHANK3 gene, consists of a deletion of 16 nucleotides from position 3961 to 3976, causing a translational frameshift with a predicted alternate stop codon after 60 amino acids. This alteration is expected to result in loss of function by premature protein truncation or nonsense-mediated mRNA decay. This variant was not reported in population-based cohorts in the Genome Aggregation Database (gnomAD). Based on the available evidence, this alteration is classified as pathogenic.

NM_001372044.2(SHANK3):c.4186_4201del (p.Thr1396fs)

Gene: SHANK3 (SH3 and multiple ankyrin repeat domains 3; plus strand). Cytogenetic location: 22q13.33.
Variant type: Deletion.
Coding change: c.4186_4201del on transcript NM_001372044.2 (MANE Select); coding-DNA positions 4186 to 4201, 16 bases deleted (ACCCCACTCGCTGGCC).
Protein change: p.Thr1396fs; shifts the reading frame from threonine 1396.
Molecular consequence: frameshift variant.
Genome position (GRCh38, 1-based): chr22:50,721,794-50,721,809, ACCCCACTCGCTGGCC deleted; deleting any 16 consecutive bases within chr22:50,721,787-50,721,809 gives the same sequence; the c. name uses the placement nearest the transcript's 3' end. VCF-style (leftmost placement, unchanged base first): chr22-50721786-TGCTGGCCACCCCACTC-T. GRCh37 (hg19) VCF-style: chr22-51160214-TGCTGGCCACCCCACTC-T.
Other names: c.3961_3976del16 (NM_033517.1); short protein forms T1396fs.
Identifiers: ClinVar variation 3795529 (VCV003795529.1).
Genomic context (GRCh38, chr22:50,721,786, plus strand): 5'-GGGAGGAGCTGGCCCGAATTGGGTTGGTGCCACCCCCTGAAGAGTTTGCCAACGGGGTCC[TGCTGGCCACCCCACTC>T]GCTGGCCCGGGCCCCTCGCCCACCACGGTGCCCAGCCCGGCCTCAGGGAAGCCCAGCAGT-3'